The following is an entry in ClinVar:

ClinVar aggregate classification (germline): Benign. Review status: criteria provided, multiple submitters, no conflicts (2 of 4 stars). 2 submissions from 2 submitters: Benign (2). Last evaluated 2026-01-23.

Conditions:
Imerslund-Grasbeck syndrome. Also called: Megaloblastic anemia due to inborn errors of metabolism; Imerslund-Gräsbeck syndrome; ENTEROCYTE COBALAMIN MALABSORPTION; ENTEROCYTE INTRINSIC FACTOR RECEPTOR, DEFECT OF; PERNICIOUS ANEMIA, JUVENILE, DUE TO SELECTIVE INTESTINAL MALABSORPTION OF VITAMIN B12, WITH PROTEINURIA. Identifiers: Orphanet 35858, MedGen C4551825, MONDO:0009853.
Imerslund-Grasbeck syndrome type 1 (IGS1). Also called: Megaloblastic anemia 1, Finnish type; MEGALOBLASTIC ANEMIA, 1; Imerslund-Gräsbeck syndrome 1. Identifiers: MedGen C4016819, MONDO:0100156, OMIM 261100.

Allele frequency attached by ClinVar (database versions not stated): TOPMed 0.00014; gnomAD 0.00039 and 0.00003; 1000 Genomes Project 0.00100; 1000 Genomes Project 30x 0.00109; gnomAD exomes 0.00160 and 0.00079; ExAC 0.00189; ESP Exome Variant Server 0.00008.
gnomAD v4.1: 1,204 of 1,613,608 alleles (0.075%); highest among the groups gnomAD compares: South Asian, 1.2%; 15 homozygotes.

Submissions (2):

Labcorp Genetics (formerly Invitae), Labcorp
Classification: Benign for Imerslund-Grasbeck syndrome. Last evaluated: 2026-01-23. Review status: criteria provided, single submitter. Criteria: Invitae Variant Classification Sherloc (09022015). Collection method: clinical testing. Allele origin: germline.

Illumina Laboratory Services, Illumina
Classification: Benign for Imerslund-Grasbeck syndrome type 1. Last evaluated: 2018-01-12. Review status: criteria provided, single submitter. Criteria: ICSL Variant Classification Criteria 13 December 2019. Collection method: clinical testing. Allele origin: germline.
Comment: This variant was observed in the ICSL laboratory as part of a predisposition screen in an ostensibly healthy population. It had not been previously curated by ICSL or reported in the Human Gene Mutation Database (HGMD: prior to June 1st, 2018), and was therefore a candidate for classification through an automated scoring system. Utilizing variant allele frequency, disease prevalence and penetrance estimates, and inheritance mode, an automated score was calculated to assess if this variant is too frequent to cause the disease. Based on the score and internal cut-off values, a variant classified as benign is not then subjected to further curation. The score for this variant resulted in a classification of benign for this disease.

NM_001081.4(CUBN):c.8921C>T (p.Thr2974Met)

Gene: CUBN (cubilin; minus strand). Cytogenetic location: 10p13.
Variant type: single nucleotide variant.
Coding change: c.8921C>T on transcript NM_001081.4 (MANE Select); coding-DNA position 8921, C replaced by T.
Protein change: p.Thr2974Met; replaces threonine 2974 with methionine.
Molecular consequence: missense variant.
Genome position (GRCh38, 1-based): chr10:16,877,082, G>A on the plus strand (C>T on the coding strand, the complement: CUBN is on the minus strand). VCF-style: chr10-16877082-G-A. GRCh37 (hg19) VCF-style: chr10-16919081-G-A.
Other names: short protein forms T2974M.
Identifiers: ClinVar variation 299390 (VCV000299390.13), dbSNP rs374477671, ClinGen allele CA5422856.